The following is an entry in ClinVar:

NM_001710.6(CFB):c.1582T>G (p.Phe528Val)

Gene: CFB (complement factor B; plus strand). Cytogenetic location: 6p21.33.
Variant type: single nucleotide variant.
Coding change: c.1582T>G on transcript NM_001710.6 (MANE Select); coding-DNA position 1582, T replaced by G.
Protein change: p.Phe528Val; replaces phenylalanine 528 with valine.
Molecular consequence: missense variant.
Genome position (GRCh38, 1-based): chr6:31,950,361, T>G. VCF-style: chr6-31950361-T-G. GRCh37 (hg19) VCF-style: chr6-31918138-T-G.
Other names: short protein forms F528V.
Identifiers: ClinVar variation 1396412 (VCV001396412.6), dbSNP rs2151786493, ClinGen allele CA363408084.

ClinVar aggregate classification (germline): Uncertain significance (1 of 4 stars; one submission).

gnomAD v4.1: 1 of 1,613,074 alleles (0.000062%); highest among the groups gnomAD compares: Non-Finnish European, 0.000085%; no homozygotes.

Submission:

Labcorp Genetics (formerly Invitae), Labcorp
Classification: Uncertain significance. Last evaluated: 2022-07-19. Review status: criteria provided, single submitter. Criteria: Invitae Variant Classification Sherloc (09022015). Collection method: clinical testing. Allele origin: germline.
Comment: In summary, the available evidence is currently insufficient to determine the role of this variant in disease. Therefore, it has been classified as a Variant of Uncertain Significance. Algorithms developed to predict the effect of missense changes on protein structure and function are either unavailable or do not agree on the potential impact of this missense change (SIFT: "Deleterious"; PolyPhen-2: "Probably Damaging"; Align-GVGD: "Class C0"). ClinVar contains an entry for this variant (Variation ID: 1396412). This variant has not been reported in the literature in individuals affected with CFB-related conditions. This variant is not present in population databases (gnomAD no frequency). This sequence change replaces phenylalanine, which is neutral and non-polar, with valine, which is neutral and non-polar, at codon 528 of the CFB protein (p.Phe528Val).